The following is an entry in ClinVar:

ClinVar aggregate classification (germline): Uncertain significance (1 of 4 stars; one submission).

Conditions:
Idiopathic generalized epilepsy. Also called: EIG; Generalised epilepsy. Identifiers: MedGen C0270850, MONDO:0005579, OMIM 600669.
Hyperaldosteronism, familial, type IV (HALD4). Also called: FH IV; ALDOSTERONISM, PRIMARY, AND HYPERTENSION. Identifiers: Orphanet 642671, MedGen C4310756, MONDO:0014875, OMIM 617027.

Submission:

Labcorp Genetics (formerly Invitae), Labcorp
Classification: Uncertain significance for Idiopathic generalized epilepsy; Hyperaldosteronism, familial, type IV. Last evaluated: 2024-05-12. Review status: criteria provided, single submitter. Criteria: Invitae Variant Classification Sherloc (09022015). Collection method: clinical testing. Allele origin: germline.
Comment: This sequence change creates a premature translational stop signal (p.Thr2235Argfs*24) in the CACNA1H gene. While this is not anticipated to result in nonsense mediated decay, it is expected to disrupt the last 119 amino acid(s) of the CACNA1H protein. This variant is not present in population databases (gnomAD no frequency). This variant has not been reported in the literature in individuals affected with CACNA1H-related conditions. Experimental studies and prediction algorithms are not available or were not evaluated, and the functional significance of this variant is currently unknown. In summary, the available evidence is currently insufficient to determine the role of this variant in disease. Therefore, it has been classified as a Variant of Uncertain Significance.

NM_021098.3(CACNA1H):c.6704_6705del (p.Thr2235fs)

Gene: CACNA1H (calcium voltage-gated channel subunit alpha1 H; plus strand). Cytogenetic location: 16p13.3.
Variant type: Microsatellite.
Coding change: c.6704_6705del on transcript NM_021098.3 (MANE Select); coding-DNA positions 6704 to 6705, 2 bases deleted (CA; older notation c.6704_6705delCA).
Protein change: p.Thr2235fs; shifts the reading frame from threonine 2235.
Molecular consequence: frameshift variant.
Genome position (GRCh38, 1-based): chr16:1,220,636-1,220,637, CA deleted; deleting any 2 consecutive bases within chr16:1,220,634-1,220,637 gives the same sequence; the c. name uses the placement nearest the transcript's 3' end. VCF-style (leftmost placement, unchanged base first): chr16-1220633-CCA-C. GRCh37 (hg19) VCF-style: chr16-1270633-CCA-C.
Other names: c.6686_6687del, p.Thr2229fs (NM_001005407.2); short protein forms T2229fs, T2235fs.
Identifiers: ClinVar variation 3756110 (VCV003756110.2).